The following is an entry in ClinVar:

NM_052867.4(NALCN):c.4375G>A (p.Asp1459Asn)

Gene: NALCN (sodium leak channel, non-selective; minus strand). Cytogenetic location: 13q32.3.
Variant type: single nucleotide variant.
Coding change: c.4375G>A on transcript NM_052867.4 (MANE Select); coding-DNA position 4375, G replaced by A.
Protein change: p.Asp1459Asn; replaces aspartic acid 1459 with asparagine.
Molecular consequence: missense variant.
Genome position (GRCh38, 1-based): chr13:101,067,989, C>T on the plus strand (G>A on the coding strand, the complement: NALCN is on the minus strand). VCF-style: chr13-101067989-C-T. GRCh37 (hg19) VCF-style: chr13-101720341-C-T.
Other names: c.4462G>A, p.Asp1488Asn (NM_001350748.2); c.4375G>A, p.Asp1459Asn (NM_001350749.2); c.4288G>A, p.Asp1430Asn (NM_001350750.2, NM_001350751.2); c.4375G>A (NM_052867.2); short protein forms D1430N, D1459N, D1488N.
Identifiers: ClinVar variation 4882918 (VCV004882918.3).

ClinVar aggregate classification (germline): Uncertain significance. Review status: criteria provided, multiple submitters, no conflicts (2 of 4 stars). 2 submissions from 2 submitters: Uncertain significance (2). Last evaluated 2026-07-08.

Conditions:
Inborn genetic diseases. Identifiers: MedGen C0950123, MeSH D030342.

gnomAD v4.1: 2 of 1,612,712 alleles (0.00012%); highest among the groups gnomAD compares: Admixed American, 0.0017%; no homozygotes.

Submissions (2):

Ambry Genetics
Classification: Uncertain significance for Inborn genetic diseases. Last evaluated: 2026-07-08. Review status: criteria provided, single submitter. Criteria: Ambry Variant Classification Scheme 2023. Collection method: clinical testing. Allele origin: germline.
Comment: The c.4375G>A (p.D1459N) alteration is located in exon 39 (coding exon 38) of the NALCN gene. This alteration results from a G to A substitution at nucleotide position 4375, causing the aspartic acid (D) at amino acid position 1459 to be replaced by an asparagine (N). Based on data from gnomAD, the A allele has an overall frequency of <0.001% (1/249744) total alleles studied. The highest observed frequency was 0.003% (1/34150) of Latino alleles. Based on insufficient or conflicting evidence, the clinical significance of this alteration remains unclear.

Dasa
Classification: Uncertain significance. Last evaluated: 2025-10-17. Review status: criteria provided, single submitter. Criteria: DASA Assertion Criteria. Collection method: clinical testing. Allele origin: germline.
Comment: NM_052867.4(NALCN):c.4375G>A (p.Asp1459Asn) is a missense variant that results in the substitution of aspartic acid with asparagine. This variant is rare in population databases. The currently available literature and clinical evidence are not sufficient to establish a definitive association between this variant and the reported condition. Therefore, this variant is classified as a variant of uncertain significance.